The following is an entry in ClinVar:

ClinVar aggregate classification (germline): Uncertain significance (1 of 4 stars; one submission).

Submission:

CeGaT Center for Human Genetics Tuebingen
Classification: Uncertain significance. Last evaluated: 2023-08-01. Review status: criteria provided, single submitter. Criteria: CeGaT Center For Human Genetics Tuebingen Variant Classification Criteria Version 2. Collection method: clinical testing. Allele origin: germline. Affected: yes. Observed: 1 variant allele.
Comment: MAGEL2: PM2

NM_019066.5(MAGEL2):c.37C>T (p.Pro13Ser)

Gene: MAGEL2 (MAGE family member L2; minus strand). Cytogenetic location: 15q11.2.
Variant type: single nucleotide variant.
Coding change: c.37C>T on transcript NM_019066.5 (MANE Select); coding-DNA position 37, C replaced by T.
Protein change: p.Pro13Ser; replaces proline 13 with serine.
Molecular consequence: missense variant.
Genome position (GRCh38, 1-based): chr15:23,647,706, G>A on the plus strand (C>T on the coding strand, the complement: MAGEL2 is on the minus strand). VCF-style: chr15-23647706-G-A. GRCh37 (hg19) VCF-style: chr15-23892853-G-A.
Other names: short protein forms P13S.
Identifiers: ClinVar variation 2645004 (VCV002645004.24), dbSNP rs1890452354, ClinGen allele CA391338041.